The following is an entry in ClinVar:

NM_005245.4(FAT1):c.10272G>A (p.Thr3424=)

Gene: FAT1 (FAT atypical cadherin 1; minus strand). Cytogenetic location: 4q35.2.
Variant type: single nucleotide variant.
Coding change: c.10272G>A on transcript NM_005245.4 (MANE Select); coding-DNA position 10272, G replaced by A.
Protein change: p.Thr3424=; no amino-acid change (threonine 3424 retained).
Molecular consequence: synonymous variant.
Genome position (GRCh38, 1-based): chr4:186,606,148, C>T on the plus strand (G>A on the coding strand, the complement: FAT1 is on the minus strand). VCF-style: chr4-186606148-C-T. GRCh37 (hg19) VCF-style: chr4-187527302-C-T.
Other names: c.10272G>A (NM_005245.3).
Identifiers: ClinVar variation 2202740 (VCV002202740.7), dbSNP rs766192362, ClinGen allele CA3165412.

ClinVar aggregate classification (germline): Likely benign. Review status: criteria provided, multiple submitters, no conflicts (2 of 4 stars). 3 submissions from 3 submitters: Likely benign (2). 1 of the submissions does not count toward it. Last evaluated 2024-08-02.

Conditions:
FAT1-related disorder. Also called: FAT1-related condition.

Allele frequency attached by ClinVar (database versions not stated): gnomAD 0.00001; gnomAD exomes 0.00001; ExAC 0.00002.
gnomAD v4.1: 19 of 1,613,156 alleles (0.0012%); highest among the groups gnomAD compares: East Asian, 0.0067%; no homozygotes.

Submissions (3):

Blueprint Genetics
Classification: Likely benign. Last evaluated: 2024-08-02. Review status: criteria provided, single submitter. Criteria: ACMG Guidelines, 2015. Collection method: clinical testing. Allele origin: germline.

Labcorp Genetics (formerly Invitae), Labcorp
Classification: Likely benign. Last evaluated: 2024-04-25. Review status: criteria provided, single submitter. Criteria: Invitae Variant Classification Sherloc (09022015). Collection method: clinical testing. Allele origin: germline.

PreventionGenetics, part of Exact Sciences
Classification: Likely benign for FAT1-related condition. Last evaluated: 2021-06-08. Review status: no assertion criteria provided. Collection method: clinical testing. Allele origin: germline. Not counted in ClinVar's aggregate classification.
Comment: This variant is classified as likely benign based on ACMG/AMP sequence variant interpretation guidelines (Richards et al. 2015 PMID: 25741868, with internal and published modifications).